The following is an entry in ClinVar:

NM_022124.6(CDH23):c.559G>A (p.Val187Ile)

Gene: CDH23 (cadherin related 23; plus strand). Cytogenetic location: 10q22.1.
Variant type: single nucleotide variant.
Coding change: c.559G>A on transcript NM_022124.6 (MANE Select); coding-DNA position 559, G replaced by A.
Protein change: p.Val187Ile; replaces valine 187 with isoleucine.
Molecular consequence: missense variant.
Genome position (GRCh38, 1-based): chr10:71,566,871, G>A. VCF-style: chr10-71566871-G-A. GRCh37 (hg19) VCF-style: chr10-73326628-G-A.
Other names: c.559G>A, p.Val187Ile (NM_001171930.2, NM_001171931.2, NM_001171932.2 and 1 more transcripts); short protein forms V187I.
Identifiers: ClinVar variation 844300 (VCV000844300.9), dbSNP rs369624952, ClinGen allele CA5543472.

ClinVar aggregate classification (germline): Uncertain significance. Review status: criteria provided, multiple submitters, no conflicts (2 of 4 stars). 5 submissions from 4 submitters: Uncertain significance (4). 1 of the submissions does not count toward it. Last evaluated 2026-02-25.

Conditions:
Usher syndrome type 1 (USH1). Also called: RETINITIS PIGMENTOSA AND CONGENITAL DEAFNESS. Identifiers: Orphanet 231169, Orphanet 886, MedGen C1568247, MONDO:0010168, OMIM 276900.
Usher syndrome type 1D (USH1D). Also called: USHER SYNDROME, TYPE ID. Identifiers: Orphanet 231169, Orphanet 886, MedGen C1832845, MONDO:0010984, OMIM 601067.
Autosomal recessive nonsyndromic hearing loss 12. Also called: DEAFNESS, AUTOSOMAL RECESSIVE 12. Identifiers: Orphanet 90636, MedGen C1832394, MONDO:0011067, OMIM 601386.

Allele frequency attached by ClinVar (database versions not stated): gnomAD 0.00003; ESP Exome Variant Server 0.00008; gnomAD exomes 0.00001 and 0.00003; TOPMed 0.00002; ExAC 0.00002.
gnomAD v4.1: 44 of 1,613,796 alleles (0.0027%); highest among the groups gnomAD compares: African/African-American, 0.004%; no homozygotes.

Submissions (5):

GeneDx
Classification: Uncertain significance. Last evaluated: 2026-02-25. Review status: criteria provided, single submitter. Criteria: GeneDx Variant Classification Process June 2021. Collection method: clinical testing. Allele origin: germline.
Comment: Reported in cis with another CDH23 variant in two siblings with profound sensorineural hearing loss and leukoencephalopathy (PMID: 28887846); Not observed at significant frequency in large population cohorts (gnomAD); In silico analysis suggests that this missense variant does not alter protein structure/function; This variant is associated with the following publications: (PMID: 28887846)

Labcorp Genetics (formerly Invitae), Labcorp
Classification: Uncertain significance. Last evaluated: 2024-02-23. Review status: criteria provided, single submitter. Criteria: Invitae Variant Classification Sherloc (09022015). Collection method: clinical testing. Allele origin: germline.
Comment: This sequence change replaces valine, which is neutral and non-polar, with isoleucine, which is neutral and non-polar, at codon 187 of the CDH23 protein (p.Val187Ile). This variant is present in population databases (rs369624952, gnomAD 0.003%). This variant has not been reported in the literature in individuals affected with CDH23-related conditions. ClinVar contains an entry for this variant (Variation ID: 844300). Advanced modeling of protein sequence and biophysical properties (such as structural, functional, and spatial information, amino acid conservation, physicochemical variation, residue mobility, and thermodynamic stability) performed at Invitae indicates that this missense variant is not expected to disrupt CDH23 protein function with a negative predictive value of 95%. In summary, the available evidence is currently insufficient to determine the role of this variant in disease. Therefore, it has been classified as a Variant of Uncertain Significance.

Illumina Laboratory Services, Illumina
Classification: Uncertain significance for Usher syndrome type 1D. Last evaluated: 2018-01-13. Review status: criteria provided, single submitter. Criteria: ICSL Variant Classification Criteria 13 December 2019. Collection method: clinical testing. Allele origin: germline.

Illumina Laboratory Services, Illumina
Classification: Uncertain significance for Autosomal recessive nonsyndromic hearing loss 12. Last evaluated: 2018-01-13. Review status: criteria provided, single submitter. Criteria: ICSL Variant Classification Criteria 13 December 2019. Collection method: clinical testing. Allele origin: germline.

Natera, Inc.
Classification: Uncertain significance for Usher syndrome type 1. Last evaluated: 2020-03-04. Review status: no assertion criteria provided. Collection method: clinical testing. Allele origin: germline. Not counted in ClinVar's aggregate classification.